The following is an entry in ClinVar:

NM_022039.4(FBXW4):c.751C>T (p.Arg251Ter)

Gene: FBXW4 (F-box and WD repeat domain containing 4; minus strand). Cytogenetic location: 10q24.32.
Variant type: single nucleotide variant.
Coding change: c.751C>T on transcript NM_022039.4 (MANE Select); coding-DNA position 751, C replaced by T.
Protein change: p.Arg251Ter; replaces arginine 251 with a stop codon.
Molecular consequence: nonsense. On other transcripts: non-coding transcript variant (1).
Genome position (GRCh38, 1-based): chr10:101,676,411, G>A on the plus strand (C>T on the coding strand, the complement: FBXW4 is on the minus strand). VCF-style: chr10-101676411-G-A. GRCh37 (hg19) VCF-style: chr10-103436168-G-A.
Other names: c.25C>T, p.Arg9Ter (NM_001323541.2); short protein forms R9*, R251*.
Identifiers: ClinVar variation 4766130 (VCV004766130.1).

ClinVar aggregate classification (germline): Uncertain significance (1 of 4 stars; one submission).

gnomAD v4.1: 8 of 1,613,158 alleles (0.0005%); highest among the groups gnomAD compares: South Asian, 0.0033%; no homozygotes.

Submission:

Labcorp Genetics (formerly Invitae), Labcorp
Classification: Uncertain significance. Last evaluated: 2025-10-09. Review status: criteria provided, single submitter. Criteria: Invitae Variant Classification Sherloc (09022015). Collection method: clinical testing. Allele origin: germline.
Comment: This sequence change creates a premature translational stop signal (p.Arg96*) in the FBXW4 gene. It is expected to result in an absent or disrupted protein product. However, the current clinical and genetic evidence is not sufficient to establish whether loss-of-function variants in FBXW4 cause disease. This variant is present in population databases (rs765792909, gnomAD 0.007%). This variant has not been reported in the literature in individuals affected with FBXW4-related conditions. In summary, the available evidence is currently insufficient to determine the role of this variant in disease. Therefore, it has been classified as a Variant of Uncertain Significance.